The following is an entry in ClinVar:

ClinVar aggregate classification (germline): Uncertain significance (1 of 4 stars; one submission).

Conditions:
Developmental and epileptic encephalopathy, 53. Also called: Epileptic encephalopathy, early infantile, 53. Identifiers: MedGen C4479313, MONDO:0033362, OMIM 617389.
Early-onset Parkinson disease 20. Also called: PARKINSON DISEASE 20, AUTOSOMAL RECESSIVE EARLY-ONSET. Identifiers: Orphanet 391411, MedGen C3809824, MONDO:0014233, OMIM 615530.

Allele frequency attached by ClinVar (database versions not stated): gnomAD exomes 0.00001; ExAC 0.00025.
gnomAD v4.1: 2 of 1,470,380 alleles (0.00014%); highest among the groups gnomAD compares: Non-Finnish European, 0.00009%; no homozygotes.

Submission:

Labcorp Genetics (formerly Invitae), Labcorp
Classification: Uncertain significance for Developmental and epileptic encephalopathy, 53; Early-onset Parkinson disease 20. Last evaluated: 2022-08-10. Review status: criteria provided, single submitter. Criteria: Invitae Variant Classification Sherloc (09022015). Collection method: clinical testing. Allele origin: germline.
Comment: This sequence change replaces glutamine, which is neutral and polar, with arginine, which is basic and polar, at codon 1128 of the SYNJ1 protein (p.Gln1128Arg). This variant is present in population databases (rs779932426, gnomAD 0.007%). This variant has not been reported in the literature in individuals affected with SYNJ1-related conditions. ClinVar contains an entry for this variant (Variation ID: 1039933). Algorithms developed to predict the effect of missense changes on protein structure and function (SIFT, PolyPhen-2, Align-GVGD) all suggest that this variant is likely to be tolerated. In summary, the available evidence is currently insufficient to determine the role of this variant in disease. Therefore, it has been classified as a Variant of Uncertain Significance.

NM_203446.3(SYNJ1):c.3266A>G (p.Gln1089Arg)

Gene: SYNJ1 (synaptojanin 1; minus strand). Cytogenetic location: 21q22.11.
Variant type: single nucleotide variant.
Coding change: c.3266A>G on transcript NM_203446.3 (MANE Select); coding-DNA position 3266, A replaced by G.
Protein change: p.Gln1089Arg; replaces glutamine 1089 with arginine.
Molecular consequence: missense variant.
Genome position (GRCh38, 1-based): chr21:32,645,771, T>C on the plus strand (A>G on the coding strand, the complement: SYNJ1 is on the minus strand). VCF-style: chr21-32645771-T-C. GRCh37 (hg19) VCF-style: chr21-34018081-T-C.
Other names: c.3266A>G, p.Gln1089Arg (NM_001160302.2); c.3251A>G, p.Gln1084Arg (NM_001160306.2); c.3383A>G, p.Gln1128Arg (NM_003895.4); short protein forms Q1089R, Q1128R, Q1084R.
Identifiers: ClinVar variation 1039933 (VCV001039933.6), dbSNP rs779932426, ClinGen allele CA10003453.